The following is an entry in ClinVar:

NM_004260.4(RECQL4):c.3186_3206del (p.Glu1063_Arg1069del)

Gene: RECQL4 (RecQ like helicase 4; minus strand). Cytogenetic location: 8q24.3.
Variant type: Deletion.
Coding change: c.3186_3206del on transcript NM_004260.4 (MANE Select); coding-DNA positions 3186 to 3206, 21 bases deleted (GGAGCGCCAGGCCCTGGCCCG).
Protein change: p.Glu1063_Arg1069del.
Molecular consequence: inframe deletion.
Genome position (GRCh38, 1-based): chr8:144,512,174-144,512,194, CGGGCCAGGGCCTGGCGCTCC deleted on the plus strand (GGAGCGCCAGGCCCTGGCCCG on the coding strand, the reverse complement: RECQL4 is on the minus strand); deleting any 21 consecutive bases within chr8:144,512,174-144,512,200 gives the same sequence; the c. name uses the placement nearest the transcript's 3' end. VCF-style (leftmost placement, unchanged base first): chr8-144512173-ACGGGCCAGGGCCTGGCGCTCC-A. GRCh37 (hg19) VCF-style: chr8-145737556-ACGGGCCAGGGCCTGGCGCTCC-A.
Identifiers: ClinVar variation 1015923 (VCV001015923.3), dbSNP rs1827356241, ClinGen allele CA1826365674.

ClinVar aggregate classification (germline): Uncertain significance (1 of 4 stars; one submission).

Conditions:
Baller-Gerold syndrome (BGS). Also called: CRANIOSYNOSTOSIS WITH RADIAL DEFECTS. Identifiers: Orphanet 1225, MedGen C0265308, MONDO:0009039, OMIM 218600.

Submission:

Labcorp Genetics (formerly Invitae), Labcorp
Classification: Uncertain significance for Baller-Gerold syndrome. Last evaluated: 2020-03-25. Review status: criteria provided, single submitter. Criteria: Invitae Variant Classification Sherloc (09022015). Collection method: clinical testing. Allele origin: germline.
Comment: In summary, the available evidence is currently insufficient to determine the role of this variant in disease. Therefore, it has been classified as a Variant of Uncertain Significance. Experimental studies and prediction algorithms are not available or were not evaluated, and the functional significance of this variant is currently unknown. This variant has not been reported in the literature in individuals with RECQL4-related conditions. This variant is not present in population databases (ExAC no frequency). This variant, c.3186_3206del, results in the deletion of 7 amino acid(s) of the RECQL4 protein (p.Glu1063_Arg1069del), but otherwise preserves the integrity of the reading frame.